The following is an entry in ClinVar:

NM_001048174.2(MUTYH):c.1542C>G (p.His514Gln)

Gene: MUTYH (mutY DNA glycosylase; minus strand). Cytogenetic location: 1p34.1.
Variant type: single nucleotide variant.
Coding change: c.1542C>G on transcript NM_001048174.2 (MANE Select); coding-DNA position 1542, C replaced by G.
Protein change: p.His514Gln; replaces histidine 514 with glutamine.
Molecular consequence: missense variant. On other transcripts: non-coding transcript variant (7).
Genome position (GRCh38, 1-based): chr1:45,329,330, G>C on the plus strand (C>G on the coding strand, the complement: MUTYH is on the minus strand). VCF-style: chr1-45329330-G-C. GRCh37 (hg19) VCF-style: chr1-45795002-G-C.
Other names: c.1542C>G, p.His514Gln (NM_001048171.2, NM_001048173.2, NM_001293195.2 and 6 more transcripts); c.1545C>G, p.His515Gln (NM_001048172.2, NM_001407086.1, NM_001407071.1 and 1 more transcripts); c.1626C>G, p.His542Gln (NM_001128425.2); c.1587C>G, p.His529Gln (NM_001293190.2); c.1575C>G, p.His525Gln (NM_001293191.2, NM_001407069.1, NM_001407077.1); c.1266C>G, p.His422Gln (NM_001293192.2, NM_001293196.2, NM_001407091.1); c.1197C>G, p.His399Gln (NM_001350650.2, NM_001407082.1, NM_001350651.2); c.1500C>G, p.His500Gln (NM_001407080.1); and 5 more; short protein forms H539Q, H500Q, H514Q, H521Q, H528Q, H529Q, H542Q, H515Q.
Identifiers: ClinVar variation 3670073 (VCV003670073.4).

ClinVar aggregate classification (germline): Uncertain significance. Review status: criteria provided, multiple submitters, no conflicts (2 of 4 stars). 3 submissions from 3 submitters: Uncertain significance (3). Last evaluated 2025-08-27.

Conditions:
Hereditary cancer-predisposing syndrome. Also called: Neoplastic Syndromes, Hereditary; Tumor predisposition; Hereditary Cancer Syndrome; Hereditary neoplastic syndrome. Identifiers: Orphanet 140162, MedGen C0027672, MeSH D009386, MONDO:0015356.
Familial adenomatous polyposis 2. Also called: COLORECTAL ADENOMATOUS POLYPOSIS, AUTOSOMAL RECESSIVE; ADENOMAS, MULTIPLE COLORECTAL, AUTOSOMAL RECESSIVE; MYH-associated polyposis; Adenomas, multiple colorectal; FAP type 2; MUTYH-associated polyposis. Identifiers: Orphanet 220460, Orphanet 247798, MedGen C3272841, MONDO:0012041, OMIM 608456.

Submissions (3):

Ambry Genetics
Classification: Uncertain significance for Hereditary cancer-predisposing syndrome. Last evaluated: 2025-08-27. Review status: criteria provided, single submitter. Criteria: Ambry Variant Classification Scheme 2023. Collection method: clinical testing. Allele origin: germline.
Comment: The p.H542Q variant (also known as c.1626C>G), located in coding exon 16 of the MUTYH gene, results from a C to G substitution at nucleotide position 1626. The histidine at codon 542 is replaced by glutamine, an amino acid with highly similar properties. This amino acid position is conserved. In addition, this alteration is predicted to be tolerated by in silico analysis. Based on the available evidence, the clinical significance of this variant remains unclear.

Labcorp Genetics (formerly Invitae), Labcorp
Classification: Uncertain significance for Familial adenomatous polyposis 2. Last evaluated: 2024-11-22. Review status: criteria provided, single submitter. Criteria: Invitae Variant Classification Sherloc (09022015). Collection method: clinical testing. Allele origin: germline.
Comment: This sequence change replaces histidine, which is basic and polar, with glutamine, which is neutral and polar, at codon 542 of the MUTYH protein (p.His542Gln). This variant is not present in population databases (gnomAD no frequency). This variant has not been reported in the literature in individuals affected with MUTYH-related conditions. An algorithm developed to predict the effect of missense changes on protein structure and function (PolyPhen-2) suggests that this variant is likely to be tolerated. In summary, the available evidence is currently insufficient to determine the role of this variant in disease. Therefore, it has been classified as a Variant of Uncertain Significance.

Color Diagnostics, LLC DBA Color Health
Classification: Uncertain significance for Hereditary cancer-predisposing syndrome. Last evaluated: 2024-08-12. Review status: criteria provided, single submitter. Criteria: ACMG Guidelines, 2015. Collection method: clinical testing. Allele origin: germline.
Comment: This missense variant replaces histidine with glutamine at codon 542 of the MUTYH protein. Computational prediction suggests that this variant may not impact protein structure and function (internally defined REVEL score threshold <= 0.5, PMID: 27666373). To our knowledge, functional studies have not been reported for this variant. This variant has not been reported in individuals affected with MUTYH-related disorders in the literature. This variant has not been identified in the general population by the Genome Aggregation Database (gnomAD). The available evidence is insufficient to determine the role of this variant in disease conclusively. Therefore, this variant is classified as a Variant of Uncertain Significance.